The following is an entry in ClinVar:

NM_182493.3(MYLK3):c.270G>A (p.Trp90Ter)

Gene: MYLK3 (myosin light chain kinase 3; minus strand). Cytogenetic location: 16q11.2.
Variant type: single nucleotide variant.
Coding change: c.270G>A on transcript NM_182493.3 (MANE Select); coding-DNA position 270, G replaced by A.
Protein change: p.Trp90Ter; replaces tryptophan 90 with a stop codon.
Molecular consequence: nonsense. On other transcripts: intron variant (1).
Genome position (GRCh38, 1-based): chr16:46,747,924, C>T on the plus strand (G>A on the coding strand, the complement: MYLK3 is on the minus strand). VCF-style: chr16-46747924-C-T. GRCh37 (hg19) VCF-style: chr16-46781836-C-T.
Other names: c.-113-7777G>A (NM_001308301.1); short protein forms W90*.
Identifiers: ClinVar variation 2117835 (VCV002117835.4), dbSNP rs2548911449, ClinGen allele CA395798063.
Genomic context (GRCh38, chr16:46,747,924, plus strand): 5'-CCTGGCACCGTGCTGGGCCGCATCCTGCTGCATGGCCCTCACCAGCTCCAGGACCTCGGG[C>T]CACCCAGCCTGGGTGTCAATGTGGGGAACCCCATCAGCCCCGCCCGGGCCCGGTGCCCGG-3'

ClinVar aggregate classification (germline): Uncertain significance (1 of 4 stars; one submission).

Submission:

Labcorp Genetics (formerly Invitae), Labcorp
Classification: Uncertain significance. Last evaluated: 2022-03-26. Review status: criteria provided, single submitter. Criteria: Invitae Variant Classification Sherloc (09022015). Collection method: clinical testing. Allele origin: germline.
Comment: In summary, the available evidence is currently insufficient to determine the role of this variant in disease. Therefore, it has been classified as a Variant of Uncertain Significance. This variant has not been reported in the literature in individuals affected with MYLK3-related conditions. This variant is not present in population databases (gnomAD no frequency). This sequence change creates a premature translational stop signal (p.Trp90*) in the MYLK3 gene. It is expected to result in an absent or disrupted protein product. However, the current clinical and genetic evidence is not sufficient to establish whether loss-of-function variants in MYLK3 cause disease.